The following is an entry in ClinVar:

ClinVar aggregate classification (germline): Uncertain significance. Review status: criteria provided, multiple submitters, no conflicts (2 of 4 stars). 2 submissions from 2 submitters: Uncertain significance (2). Last evaluated 2024-04-25.

Conditions:
Tuberous sclerosis 2 (TSC2). Identifiers: Orphanet 805, MedGen C1860707, MONDO:0013199, OMIM 613254.
Tuberous sclerosis syndrome (TSC). Also called: Tuberous Sclerosis Complex; Tuberous sclerosis. Identifiers: Orphanet 805, MedGen C0041341, MONDO:0001734.

Submissions (2):

All of Us Research Program, National Institutes of Health
Classification: Uncertain significance for Tuberous sclerosis syndrome. Last evaluated: 2024-04-25. Review status: criteria provided, single submitter. Criteria: ACMG Guidelines, 2015. Collection method: clinical testing. Allele origin: germline. Inheritance: Autosomal dominant inheritance. Observed: 1 variant allele, 1 heterozygote.
Comment: This missense variant replaces aspartic acid with glutamic acid at codon 1403 of the TSC2 protein. Computational prediction is inconclusive regarding the impact of this variant on protein structure and function (internally defined REVEL score threshold 0.5 < inconclusive < 0.7, PMID: 27666373). To our knowledge, functional studies have not been reported for this variant. This variant has not been reported in individuals affected with TSC2-related disorders in the literature. This variant has not been identified in the general population by the Genome Aggregation Database (gnomAD). The available evidence is insufficient to determine the role of this variant in disease conclusively. Therefore, this variant is classified as a Variant of Uncertain Significance.

This study involves interpretation of variants in research participants for the purpose of population health screening. Participant phenotype was not available at the time of variant classification. Additional details can be found in publication PMID: 35346344, PMCID: PMC8962531

Labcorp Genetics (formerly Invitae), Labcorp
Classification: Uncertain significance for Tuberous sclerosis 2. Last evaluated: 2021-03-03. Review status: criteria provided, single submitter. Criteria: Invitae Variant Classification Sherloc (09022015). Collection method: clinical testing. Allele origin: germline.
Comment: In summary, the available evidence is currently insufficient to determine the role of this variant in disease. Therefore, it has been classified as a Variant of Uncertain Significance. Advanced modeling of protein sequence and biophysical properties (such as structural, functional, and spatial information, amino acid conservation, physicochemical variation, residue mobility, and thermodynamic stability) performed at Invitae indicates that this missense variant is not expected to disrupt TSC2 protein function. This variant has not been reported in the literature in individuals with TSC2-related conditions. This variant is not present in population databases (ExAC no frequency). This sequence change replaces aspartic acid with glutamic acid at codon 1403 of the TSC2 protein (p.Asp1403Glu). The aspartic acid residue is weakly conserved and there is a small physicochemical difference between aspartic acid and glutamic acid.

NM_000548.5(TSC2):c.4209C>G (p.Asp1403Glu)

Gene: TSC2 (TSC complex subunit 2; plus strand). Cytogenetic location: 16p13.3.
Variant type: single nucleotide variant.
Coding change: c.4209C>G on transcript NM_000548.5 (MANE Select); coding-DNA position 4209, C replaced by G.
Protein change: p.Asp1403Glu; replaces aspartic acid 1403 with glutamic acid.
Molecular consequence: missense variant.
Genome position (GRCh38, 1-based): chr16:2,084,431, C>G. VCF-style: chr16-2084431-C-G. GRCh37 (hg19) VCF-style: chr16-2134432-C-G.
Other names: c.4008C>G, p.Asp1336Glu (NM_001077183.3); c.4140C>G, p.Asp1380Glu (NM_001114382.3); c.3900C>G, p.Asp1300Glu (NM_001318827.2); c.3864C>G, p.Asp1288Glu (NM_001318829.2); c.3477C>G, p.Asp1159Glu (NM_001318831.2); c.4041C>G, p.Asp1347Glu (NM_001318832.2); c.4011C>G, p.Asp1337Glu (NM_001363528.2); c.4077C>G, p.Asp1359Glu (NM_001370404.1); and 1 more; short protein forms D1159E, D1360E, D1380E, D1337E, D1359E, D1403E, D1288E, D1300E.
Identifiers: ClinVar variation 1372319 (VCV001372319.7), dbSNP rs1257841799, ClinGen allele CA394299943.